The following is an entry in ClinVar:

ClinVar aggregate classification (germline): Uncertain significance (1 of 4 stars; one submission).

gnomAD v4.1: 15 of 1,513,108 alleles (0.00099%); highest among the groups gnomAD compares: Non-Finnish European, 0.0013%; no homozygotes.

Submission:

Labcorp Genetics (formerly Invitae), Labcorp
Classification: Uncertain significance. Last evaluated: 2024-03-22. Review status: criteria provided, single submitter. Criteria: Invitae Variant Classification Sherloc (09022015). Collection method: clinical testing. Allele origin: germline.
Comment: This sequence change falls in intron 1 of the CLCN6 gene. It does not directly change the encoded amino acid sequence of the CLCN6 protein. It affects a nucleotide within the consensus splice site. This variant is not present in population databases (gnomAD no frequency). This variant has not been reported in the literature in individuals affected with CLCN6-related conditions. Variants that disrupt the consensus splice site are a relatively common cause of aberrant splicing (PMID: 17576681, 9536098). Algorithms developed to predict the effect of sequence changes on RNA splicing suggest that this variant may disrupt the consensus splice site. In summary, the available evidence is currently insufficient to determine the role of this variant in disease. Therefore, it has been classified as a Variant of Uncertain Significance.

Literature cited by the submitters: PubMed 17576681; PubMed 9536098.

NM_001286.5(CLCN6):c.87+5G>A

Gene: CLCN6 (chloride voltage-gated channel 6; plus strand). Cytogenetic location: 1p36.22.
Variant type: single nucleotide variant.
Coding change: c.87+5G>A on transcript NM_001286.5 (MANE Select); 5 bases into the intron after coding-DNA position 87, G replaced by A.
Molecular consequence: intron variant.
Genome position (GRCh38, 1-based): chr1:11,806,354, G>A. VCF-style: chr1-11806354-G-A. GRCh37 (hg19) VCF-style: chr1-11866411-G-A.
Other names: c.87+5G>A (NM_001256959.2).
Identifiers: ClinVar variation 3709812 (VCV003709812.2).